The following is an entry in ClinVar:

NM_000733.4(CD3E):c.103+1G>A

Gene: CD3E (CD3 epsilon subunit of T-cell receptor complex; plus strand). Cytogenetic location: 11q23.3.
Variant type: single nucleotide variant.
Coding change: c.103+1G>A on transcript NM_000733.4 (MANE Select); the canonical splice donor site of the intron after coding-DNA position 103, G replaced by A.
Molecular consequence: splice donor variant.
Genome position (GRCh38, 1-based): chr11:118,312,171, G>A. VCF-style: chr11-118312171-G-A. GRCh37 (hg19) VCF-style: chr11-118182886-G-A.
Identifiers: ClinVar variation 835442 (VCV000835442.14), dbSNP rs201543770, ClinGen allele CA6301612.

ClinVar aggregate classification (germline): Likely pathogenic. Review status: criteria provided, multiple submitters, no conflicts (2 of 4 stars). 4 submissions from 4 submitters: Likely pathogenic (4). Last evaluated 2025-12-17.

Conditions:
Immunodeficiency 18 (IMD18). Also called: CD3-EPSILON DEFICIENCY; CD3epsilon deficiency. Identifiers: MedGen C3810127, MONDO:0014278, OMIM 615615.

Allele frequency attached by ClinVar (database versions not stated): ExAC 0.00002; TOPMed 0.00004; ESP Exome Variant Server 0.00008.
gnomAD v4.1: 37 of 1,611,166 alleles (0.0023%); highest among the groups gnomAD compares: Middle Eastern, 0.066%; no homozygotes.

Submissions (4):

Labcorp Genetics (formerly Invitae), Labcorp
Classification: Likely pathogenic for Immunodeficiency 18. Last evaluated: 2025-12-17. Review status: criteria provided, single submitter. Criteria: Invitae Variant Classification Sherloc (09022015). Collection method: clinical testing. Allele origin: germline.
Comment: This sequence change affects a donor splice site in intron 5 of the CD3E gene. It is expected to disrupt RNA splicing. Variants that disrupt the donor or acceptor splice site typically lead to a loss of protein function (PMID: 16199547), and loss-of-function variants in CD3E are known to be pathogenic (PMID: 8490660, 15546002). This variant is present in population databases (rs201543770, gnomAD 0.004%). This variant has not been reported in the literature in individuals affected with CD3E-related conditions. ClinVar contains an entry for this variant (Variation ID: 835442). Algorithms developed to predict the effect of sequence changes on RNA splicing suggest that this variant may disrupt the consensus splice site. In summary, the currently available evidence indicates that the variant is pathogenic, but additional data are needed to prove that conclusively. Therefore, this variant has been classified as Likely Pathogenic.

Revvity Omics, Revvity
Classification: Likely pathogenic for Immunodeficiency 18. Last evaluated: 2025-06-27. Review status: criteria provided, single submitter. Criteria: ACMG Guidelines, 2015. Collection method: clinical testing. Allele origin: germline.

Next Generation Genetic Polyclinic
Classification: Likely pathogenic for Immunodeficiency 18. Last evaluated: 2025-03-23. Review status: criteria provided, single submitter. Criteria: ACMG Guidelines, 2015. Collection method: curation. Allele origin: germline. Affected: yes. Observed: 1 variant allele.
Comment: Canonical splice site variant in CD3E (c.103+1G>A), abolishes the donor site of intron 2. Expected to result in aberrant splicing and loss of function (PVS1), which is a known mechanism in CD3E-related immunodeficiency (OMIM #615615). Variant is absent from population databases (PM2) and has been reported in affected individuals. Detected in homozygous state. Classified as Likely Pathogenic. Meets ACMG criteria: PVS1, PM2, PP4.

Genomic Medicine Center of Excellence, King Faisal Specialist Hospital and Research Centre
Classification: Likely pathogenic for Immunodeficiency 18. Last evaluated: 2024-03-26. Review status: criteria provided, single submitter. Criteria: ACMG Guidelines, 2015. Collection method: clinical testing. Allele origin: germline.

Literature cited by the submitters: PubMed 16199547 (cited by Labcorp Genetics (formerly Invitae), Labcorp); PubMed 8490660 (cited by Labcorp Genetics (formerly Invitae), Labcorp and Next Generation Genetic Polyclinic); PubMed 15546002 (cited by Labcorp Genetics (formerly Invitae), Labcorp and Next Generation Genetic Polyclinic).